The following is an entry in ClinVar:

ClinVar aggregate classification (germline): Uncertain significance (1 of 4 stars; one submission).

Conditions:
Adams-Oliver syndrome 5 (AOS5). Identifiers: Orphanet 974, MedGen C4014970, MONDO:0014459, OMIM 616028.

Submission:

Labcorp Genetics (formerly Invitae), Labcorp
Classification: Uncertain significance for Adams-Oliver syndrome 5. Last evaluated: 2022-12-24. Review status: criteria provided, single submitter. Criteria: Invitae Variant Classification Sherloc (09022015). Collection method: clinical testing. Allele origin: germline.
Comment: This variant has not been reported in the literature in individuals affected with NOTCH1-related conditions. Variants that disrupt the consensus splice site are a relatively common cause of aberrant splicing (PMID: 17576681, 9536098). Algorithms developed to predict the effect of sequence changes on RNA splicing suggest that this variant is not likely to affect RNA splicing. In summary, the available evidence is currently insufficient to determine the role of this variant in disease. Therefore, it has been classified as a Variant of Uncertain Significance. This variant is not present in population databases (gnomAD no frequency). This sequence change falls in intron 32 of the NOTCH1 gene. It does not directly change the encoded amino acid sequence of the NOTCH1 protein. It affects a nucleotide within the consensus splice site.

Literature cited by the submitters: PubMed 17576681; PubMed 9536098.

NM_017617.5(NOTCH1):c.6082+6C>G

Genes: NOTCH1 (notch receptor 1; minus strand), LOC126860794 (BRD4-independent group 4 enhancer GRCh37_chr9:139392592-139393791; plus strand). Cytogenetic location: 9q34.3.
Variant type: single nucleotide variant.
Coding change: c.6082+6C>G on transcript NM_017617.5 (MANE Select); 6 bases into the intron after coding-DNA position 6082, C replaced by G.
Molecular consequence: intron variant.
Genome position (GRCh38, 1-based): chr9:136,499,106, G>C on the plus strand (C>G on the coding strand, the complement: NOTCH1 is on the minus strand). VCF-style: chr9-136499106-G-C. GRCh37 (hg19) VCF-style: chr9-139393558-G-C.
Identifiers: ClinVar variation 2823875 (VCV002823875.3), dbSNP rs1842959338, ClinGen allele CA2720841494.
Genomic context (GRCh38, chr9:136,499,106, plus strand): 5'-CCAGTCCCACCCGTCCCTGTGGCGGTCCCGCCCCACGACAGAGCAGCCGTGCCCCCGTGG[G>C]CTCACCCAGGTCATCTACGGCGTTGACGTCGGCGTGTGAGTTGATGAGGTCCTCCAGCAT-3'